The following is an entry in ClinVar:

ClinVar aggregate classification (germline): Benign/Likely benign. Review status: criteria provided, multiple submitters, no conflicts (2 of 4 stars). 10 submissions from 10 submitters: Benign (3); Likely benign (5). 2 of the submissions do not count toward it. Last evaluated 2026-01-31.

Conditions:
Cardiovascular phenotype. Identifiers: MedGen CN230736.
Cardiomyopathy (CMYO). Also called: Cardiomyopathies. Identifiers: Orphanet 167848, MedGen C0878544, MONDO:0004994, HP:0001638. Inheritance: Various modes of inheritance.
Hypertrophic cardiomyopathy 14. Identifiers: MedGen C2750467, MONDO:0013197, OMIM 613251.

Allele frequency attached by ClinVar (database versions not stated): gnomAD exomes 0.00011 and 0.00033; ExAC 0.00040; gnomAD 0.00125 and 0.00130; TOPMed 0.00131; ESP Exome Variant Server 0.00138; 1000 Genomes Project 0.00220; 1000 Genomes Project 30x 0.00234.
gnomAD v4.1: 369 of 1,614,224 alleles (0.023%); highest among the groups gnomAD compares: African/African-American, 0.44%; no homozygotes.

Submissions (10):

Labcorp Genetics (formerly Invitae), Labcorp
Classification: Benign for Hypertrophic cardiomyopathy 14. Last evaluated: 2026-01-31. Review status: criteria provided, single submitter. Criteria: Invitae Variant Classification Sherloc (09022015). Collection method: clinical testing. Allele origin: germline.

Blueprint Genetics
Classification: Likely benign. Last evaluated: 2024-09-23. Review status: criteria provided, single submitter. Criteria: ACMG Guidelines, 2015. Collection method: clinical testing. Allele origin: germline.

CeGaT Center for Human Genetics Tuebingen
Classification: Likely benign. Last evaluated: 2022-12-01. Review status: criteria provided, single submitter. Criteria: CeGaT Center For Human Genetics Tuebingen Variant Classification Criteria Version 2. Collection method: clinical testing. Allele origin: germline. Affected: yes. Observed: 1 variant allele.
Comment: MYH6: BP4, BP7

Women's Health and Genetics/Laboratory Corporation of America, LabCorp
Classification: Benign. Last evaluated: 2021-10-30. Review status: criteria provided, single submitter. Criteria: LabCorp Variant Classification Summary - May 2015. Collection method: clinical testing. Allele origin: germline.

GeneDx
Classification: Likely benign. Last evaluated: 2021-05-07. Review status: criteria provided, single submitter. Criteria: GeneDx Variant Classification Process June 2021. Collection method: clinical testing. Allele origin: germline. Affected: yes.

Ambry Genetics
Classification: Likely benign for Cardiovascular phenotype. Last evaluated: 2019-10-21. Review status: criteria provided, single submitter. Criteria: Ambry Variant Classification Scheme 2023. Collection method: clinical testing. Allele origin: germline.

CHEO Genetics Diagnostic Laboratory, Children's Hospital of Eastern Ontario
Classification: Likely benign for Cardiomyopathy. Last evaluated: 2016-01-15. Review status: criteria provided, single submitter. Criteria: ACMG Guidelines, 2015. Collection method: clinical testing. Allele origin: germline. Study: Canadian Open Genetics Repository.

Laboratory for Molecular Medicine, Mass General Brigham Personalized Medicine
Classification: Benign. Last evaluated: 2012-03-19. Review status: criteria provided, single submitter. Criteria: LMM Criteria. Collection method: clinical testing. Allele origin: germline. Observed: 3 variant alleles.
Comment: p.Arg1594Arg in Exon 33 of MYH6: This variant is not expected to have clinical s ignificance because it does not alter an amino acid residue, is not located with in the splice consensus sequence and has been identified in 0.5% (17/3738) of Af rican American chromosomes from a broad population by the NHLBI Exome Sequencing Project (dbSNP rs142823394).

Clinical Genetics DNA and cytogenetics Diagnostics Lab, Erasmus MC, Erasmus Medical Center
Classification: Likely benign. Review status: no assertion criteria provided. Collection method: clinical testing. Allele origin: germline. Affected: yes. Study: VKGL Data-share Consensus. Not counted in ClinVar's aggregate classification.

Genome Diagnostics Laboratory, University Medical Center Utrecht
Classification: Likely benign. Review status: no assertion criteria provided. Collection method: clinical testing. Allele origin: germline. Affected: yes. Study: VKGL Data-share Consensus. Not counted in ClinVar's aggregate classification.

NM_002471.4(MYH6):c.4782G>A (p.Arg1594=)

Genes: MYH6 (myosin heavy chain 6; minus strand), LOC126861896 (BRD4-independent group 4 enhancer GRCh37_chr14:23854904-23856103; plus strand). Cytogenetic location: 14q11.2.
Variant type: single nucleotide variant.
Coding change: c.4782G>A on transcript NM_002471.4 (MANE Select); coding-DNA position 4782, G replaced by A.
Protein change: p.Arg1594=; no amino-acid change (arginine 1594 retained).
Molecular consequence: synonymous variant.
Genome position (GRCh38, 1-based): chr14:23,386,492, C>T on the plus strand (G>A on the coding strand, the complement: MYH6 is on the minus strand). VCF-style: chr14-23386492-C-T. GRCh37 (hg19) VCF-style: chr14-23855701-C-T.
Identifiers: ClinVar variation 44521 (VCV000044521.49), dbSNP rs142823394, ClinGen allele CA134431.
Genomic context (GRCh38, chr14:23,386,492, plus strand): 5'-CAGGACCTCGTTGCGGCTGCGTGTCTCTGCATCCAGGGAGGTCTGCAGCGAGTCCACCAC[C>T]CGCTGGTGGTTGCGCTTGGCCTGTTCCATCTCCTCGTCCTTCTCTGCCAGCTTCCGCTCG-3'
Protein context (NP_002462.2, residues 1584-1604): EMEQAKRNHQ[Arg1594=]VVDSLQTSLD